The following is an entry in ClinVar:

NM_030665.4(RAI1):c.4819T>G (p.Phe1607Val)

Gene: RAI1 (retinoic acid induced 1; plus strand). Cytogenetic location: 17p11.2.
Variant type: single nucleotide variant.
Coding change: c.4819T>G on transcript NM_030665.4 (MANE Select); coding-DNA position 4819, T replaced by G.
Protein change: p.Phe1607Val; replaces phenylalanine 1607 with valine.
Molecular consequence: missense variant.
Genome position (GRCh38, 1-based): chr17:17,797,767, T>G. VCF-style: chr17-17797767-T-G. GRCh37 (hg19) VCF-style: chr17-17701081-T-G.
Other names: short protein forms F1607V.
Identifiers: ClinVar variation 1204695 (VCV001204695.3), dbSNP rs2143003223, ClinGen allele CA398557609.

ClinVar aggregate classification (germline): Likely benign (1 of 4 stars; one submission).

Submission:

GeneDx
Classification: Likely benign. Last evaluated: 2020-03-05. Review status: criteria provided, single submitter. Criteria: GeneDx Variant Classification Process June 2021. Collection method: clinical testing. Allele origin: germline. Affected: yes.
Comment: Not observed in large population cohorts (Lek et al., 2016); In silico analysis, which includes protein predictors and evolutionary conservation, supports that this variant does not alter protein structure/function; Has not been previously published as pathogenic or benign to our knowledge